The following is an entry in ClinVar:

NM_020706.2(SCAF4):c.1436A>G (p.Gln479Arg)

Gene: SCAF4 (SR-related CTD associated factor 4; minus strand). Cytogenetic location: 21q22.11.
Variant type: single nucleotide variant.
Coding change: c.1436A>G on transcript NM_020706.2 (MANE Select); coding-DNA position 1436, A replaced by G.
Protein change: p.Gln479Arg; replaces glutamine 479 with arginine.
Molecular consequence: missense variant.
Genome position (GRCh38, 1-based): chr21:31,693,371, T>C on the plus strand (A>G on the coding strand, the complement: SCAF4 is on the minus strand). VCF-style: chr21-31693371-T-C. GRCh37 (hg19) VCF-style: chr21-33065684-T-C.
Other names: c.1391A>G, p.Gln464Arg (NM_001145444.1); c.1436A>G, p.Gln479Arg (NM_001145445.1); short protein forms Q464R, Q479R.
Identifiers: ClinVar variation 4529979 (VCV004529979.1).

ClinVar aggregate classification (germline): Uncertain significance (1 of 4 stars; one submission).

Submission:

GeneDx
Classification: Uncertain significance. Last evaluated: 2025-05-13. Review status: criteria provided, single submitter. Criteria: GeneDx Variant Classification Process June 2021. Collection method: clinical testing. Allele origin: germline. Affected: yes.
Comment: Not observed at significant frequency in large population cohorts (gnomAD); In silico analysis suggests that this missense variant does not alter protein structure/function; Has not been previously published as pathogenic or benign to our knowledge